The following is an entry in ClinVar:

ClinVar aggregate classification (germline): Uncertain significance (1 of 4 stars; one submission).

Conditions:
Glycogen storage disease type III (GSD3). Also called: FORBES DISEASE; Cori disease. Identifiers: Orphanet 366, MedGen C0017922, MONDO:0009291, OMIM 232400.

Allele frequency attached by ClinVar (database versions not stated): gnomAD exomes below 0.00001; TOPMed below 0.00001; ExAC 0.00002.
gnomAD v4.1: 2 of 1,609,452 alleles (0.00012%); highest among the groups gnomAD compares: Admixed American, 0.0033%; no homozygotes.

Submission:

Labcorp Genetics (formerly Invitae), Labcorp
Classification: Uncertain significance for Glycogen storage disease type III. Last evaluated: 2022-07-29. Review status: criteria provided, single submitter. Criteria: Invitae Variant Classification Sherloc (09022015). Collection method: clinical testing. Allele origin: germline.
Comment: In summary, the available evidence is currently insufficient to determine the role of this variant in disease. Therefore, it has been classified as a Variant of Uncertain Significance. Algorithms developed to predict the effect of missense changes on protein structure and function (SIFT, PolyPhen-2, Align-GVGD) all suggest that this variant is likely to be tolerated. This variant has not been reported in the literature in individuals affected with AGL-related conditions. This variant is present in population databases (rs778230759, gnomAD 0.003%). This sequence change replaces glutamic acid, which is acidic and polar, with lysine, which is basic and polar, at codon 1243 of the AGL protein (p.Glu1243Lys).

NM_000642.3(AGL):c.3727G>A (p.Glu1243Lys)

Gene: AGL (amylo-alpha-1,6-glucosidase and 4-alpha-glucanotransferase; plus strand). Cytogenetic location: 1p21.2.
Variant type: single nucleotide variant.
Coding change: c.3727G>A on transcript NM_000642.3 (MANE Select); coding-DNA position 3727, G replaced by A.
Protein change: p.Glu1243Lys; replaces glutamic acid 1243 with lysine.
Molecular consequence: missense variant.
Genome position (GRCh38, 1-based): chr1:99,910,738, G>A. VCF-style: chr1-99910738-G-A. GRCh37 (hg19) VCF-style: chr1-100376294-G-A.
Other names: c.3727G>A, p.Glu1243Lys (NM_000028.3, NM_000643.3, NM_000644.3 and 1 more transcripts); c.3679G>A, p.Glu1227Lys (NM_000646.3); c.3706G>A, p.Glu1236Lys (NM_001425326.1); c.3526G>A, p.Glu1176Lys (NM_001425327.1); c.3523G>A, p.Glu1175Lys (NM_001425328.1); c.3388G>A, p.Glu1130Lys (NM_001425329.1); c.3349G>A, p.Glu1117Lys (NM_001425332.1); short protein forms E1227K, E1243K, E1117K, E1130K, E1175K, E1176K, E1236K.
Identifiers: ClinVar variation 2175475 (VCV002175475.3), dbSNP rs778230759, ClinGen allele CA967202.